The following is an entry in ClinVar:

ClinVar aggregate classification (germline): Uncertain significance. Review status: criteria provided, multiple submitters, no conflicts (2 of 4 stars). 3 submissions from 3 submitters: Uncertain significance (2). 1 of the submissions does not count toward it. Last evaluated 2022-10-24.

Conditions:
Autosomal recessive retinitis pigmentosa. Identifiers: MedGen C0339526.

Allele frequency attached by ClinVar (database versions not stated): gnomAD exomes 0.00002; TOPMed 0.00011.
gnomAD v4.1: 43 of 1,549,390 alleles (0.0028%); highest among the groups gnomAD compares: African/African-American, 0.036%; no homozygotes.

Submissions (3):

Labcorp Genetics (formerly Invitae), Labcorp
Classification: Uncertain significance. Last evaluated: 2022-10-24. Review status: criteria provided, single submitter. Criteria: Invitae Variant Classification Sherloc (09022015). Collection method: clinical testing. Allele origin: germline.
Comment: This sequence change replaces leucine, which is neutral and non-polar, with valine, which is neutral and non-polar, at codon 2312 of the EYS protein (p.Leu2312Val). This variant is present in population databases (no rsID available, gnomAD 0.03%). This variant has not been reported in the literature in individuals affected with EYS-related conditions. ClinVar contains an entry for this variant (Variation ID: 859373). Algorithms developed to predict the effect of missense changes on protein structure and function output the following: SIFT: "Tolerated"; PolyPhen-2: "Probably Damaging"; Align-GVGD: "Class C0". The valine amino acid residue is found in multiple mammalian species, which suggests that this missense change does not adversely affect protein function. In summary, the available evidence is currently insufficient to determine the role of this variant in disease. Therefore, it has been classified as a Variant of Uncertain Significance.

Blueprint Genetics
Classification: Uncertain significance. Last evaluated: 2022-06-20. Review status: criteria provided, single submitter. Criteria: ACMG Guidelines, 2015. Collection method: clinical testing. Allele origin: germline.

Natera, Inc.
Classification: Uncertain significance for Autosomal recessive retinitis pigmentosa. Last evaluated: 2020-06-09. Review status: no assertion criteria provided. Collection method: clinical testing. Allele origin: germline. Not counted in ClinVar's aggregate classification.

NM_001142800.2(EYS):c.6934C>G (p.Leu2312Val)

Gene: EYS (EGF-like photoreceptor maintenance factor; minus strand). Cytogenetic location: 6q12.
Variant type: single nucleotide variant.
Coding change: c.6934C>G on transcript NM_001142800.2 (MANE Select); coding-DNA position 6934, C replaced by G.
Protein change: p.Leu2312Val; replaces leucine 2312 with valine.
Molecular consequence: missense variant.
Genome position (GRCh38, 1-based): chr6:63,984,504, G>C on the plus strand (C>G on the coding strand, the complement: EYS is on the minus strand). VCF-style: chr6-63984504-G-C. GRCh37 (hg19) VCF-style: chr6-64694397-G-C.
Other names: c.6934C>G, p.Leu2312Val (NM_001292009.2); short protein forms L2312V.
Identifiers: ClinVar variation 859373 (VCV000859373.6), dbSNP rs564315274, ClinGen allele CA140266913.